The following is an entry in ClinVar:

ClinVar aggregate classification (germline): Uncertain significance (1 of 4 stars; one submission).

Conditions:
Inborn genetic diseases. Identifiers: MedGen C0950123, MeSH D030342.

Allele frequency attached by ClinVar (database versions not stated): gnomAD 0.00001; ExAC 0.00002; TOPMed 0.00003; ESP Exome Variant Server 0.00008.
gnomAD v4.1: 1 of 1,613,950 alleles (0.000062%); highest among the groups gnomAD compares: African/African-American, 0.0013%; no homozygotes.

Submission:

Ambry Genetics
Classification: Uncertain significance for Inborn genetic diseases. Last evaluated: 2024-03-17. Review status: criteria provided, single submitter. Criteria: Ambry Variant Classification Scheme 2023. Collection method: clinical testing. Allele origin: germline.
Comment: The p.H1009Q variant (also known as c.3027T>G), located in coding exon 23 of the LRRK2 gene, results from a T to G substitution at nucleotide position 3027. The histidine at codon 1009 is replaced by glutamine, an amino acid with highly similar properties. This amino acid position is conserved. In addition, this alteration is predicted to be tolerated by in silico analysis. Since supporting evidence is limited at this time, the clinical significance of this alteration remains unclear.

NM_198578.4(LRRK2):c.3027T>G (p.His1009Gln)

Gene: LRRK2 (leucine rich repeat kinase 2; plus strand). Cytogenetic location: 12q12.
Variant type: single nucleotide variant.
Coding change: c.3027T>G on transcript NM_198578.4 (MANE Select); coding-DNA position 3027, T replaced by G.
Protein change: p.His1009Gln; replaces histidine 1009 with glutamine.
Molecular consequence: missense variant.
Genome position (GRCh38, 1-based): chr12:40,295,575, T>G. VCF-style: chr12-40295575-T-G. GRCh37 (hg19) VCF-style: chr12-40689377-T-G.
Other names: short protein forms H1009Q.
Identifiers: ClinVar variation 1798979 (VCV001798979.2), dbSNP rs368989621, ClinGen allele CA6513807.